The following is an entry in ClinVar:

NM_000136.3(FANCC):c.4G>T (p.Ala2Ser)

Gene: FANCC (FA complementation group C; minus strand). Cytogenetic location: 9q22.32.
Variant type: single nucleotide variant.
Coding change: c.4G>T on transcript NM_000136.3 (MANE Select); coding-DNA position 4, G replaced by T.
Protein change: p.Ala2Ser; replaces alanine 2 with serine.
Molecular consequence: missense variant.
Genome position (GRCh38, 1-based): chr9:95,249,288, C>A on the plus strand (G>T on the coding strand, the complement: FANCC is on the minus strand). VCF-style: chr9-95249288-C-A. GRCh37 (hg19) VCF-style: chr9-98011570-C-A.
Other names: c.4G>T, p.Ala2Ser (NM_001243743.2, NM_001243744.2); short protein forms A2S.
Identifiers: ClinVar variation 3512775 (VCV003512775.1).
Genomic context (GRCh38, chr9:95,249,288, plus strand): 5'-ATACAGAAAGCTTCTGCATCCAAAACTGATAATCACAAGAAAGATCTACTGAATCTTGAG[C>A]CATCTTGGAAAAAGCGAAAAGGTGATGTCCCTTCACAGCAGCCTGTCCAGCACTGAAGGA-3'
Protein context (NP_000127.2, residues 1-12): M[Ala2Ser]QDSVDLSCDY

ClinVar aggregate classification (germline): Uncertain significance (1 of 4 stars; one submission).

Conditions:
Hereditary cancer-predisposing syndrome. Also called: Tumor predisposition; Neoplastic Syndromes, Hereditary; Hereditary Cancer Syndrome; Hereditary neoplastic syndrome. Identifiers: Orphanet 140162, MedGen C0027672, MeSH D009386, MONDO:0015356.

gnomAD v4.1: 1 of 1,614,040 alleles (0.000062%); highest among the groups gnomAD compares: Non-Finnish European, 0.000085%; no homozygotes.

Submission:

Ambry Genetics
Classification: Uncertain significance for Hereditary cancer-predisposing syndrome. Last evaluated: 2024-08-21. Review status: criteria provided, single submitter. Criteria: Ambry Variant Classification Scheme 2023. Collection method: clinical testing. Allele origin: germline.
Comment: The p.A2S variant (also known as c.4G>T), located in coding exon 1 of the FANCC gene, results from a G to T substitution at nucleotide position 4. The alanine at codon 2 is replaced by serine, an amino acid with similar properties. This amino acid position is conserved. In addition, the in silico prediction for this alteration is inconclusive. Based on the available evidence, the clinical significance of this variant remains unclear.